The following is an entry in ClinVar:

NM_001127453.2(GSDME):c.698-3C>G

Gene: GSDME (gasdermin E; minus strand). Cytogenetic location: 7p15.3.
Variant type: single nucleotide variant.
Coding change: c.698-3C>G on transcript NM_001127453.2 (MANE Select); 3 bases into the intron before coding-DNA position 698, C replaced by G.
Molecular consequence: intron variant.
Genome position (GRCh38, 1-based): chr7:24,710,391, G>C on the plus strand (C>G on the coding strand, the complement: GSDME is on the minus strand). VCF-style: chr7-24710391-G-C. GRCh37 (hg19) VCF-style: chr7-24750010-G-C.
Other names: c.206-3C>G (NM_001127454.2); c.698-3C>G (NM_004403.3).
Identifiers: ClinVar variation 2576755 (VCV002576755.2), dbSNP rs755640329, ClinGen allele CA155344707.

ClinVar aggregate classification (germline): Uncertain significance (1 of 4 stars; one submission).

Allele frequency attached by ClinVar (database versions not stated): gnomAD 0.00001; TOPMed 0.00001.
gnomAD v4.1: 20 of 1,614,038 alleles (0.0012%); highest among the groups gnomAD compares: Non-Finnish European, 0.0016%; no homozygotes.

Submission:

GeneDx
Classification: Uncertain significance. Last evaluated: 2026-09-15. Review status: criteria provided, single submitter. Criteria: GeneDx Variant Classification Process June 2021. Collection method: clinical testing. Allele origin: germline.
Comment: Not observed at significant frequency in large population cohorts (gnomAD); In silico analysis supports a deleterious effect on splicing; Has not been previously published as pathogenic or benign to our knowledge